The following is an entry in ClinVar:

ClinVar aggregate classification (germline): Likely benign. Review status: criteria provided, single submitter (1 of 4 stars). 3 submissions from 1 submitter: Likely benign (3). Last evaluated 2018-01-12.

Conditions:
Cockayne syndrome type 2 (CSB). Also called: COCKAYNE SYNDROME B; Cockayne Syndrome, Type II. Identifiers: Orphanet 191, Orphanet 90322, MedGen C0751038, MONDO:0019570, OMIM 133540.
Age related macular degeneration 5. Identifiers: MedGen C3151063, MONDO:0013409, OMIM 613761.
Cerebrooculofacioskeletal syndrome 1 (COFS1). Also called: Cerebro-oculo-facio-skeletal syndrome 1. Identifiers: MedGen C0220722, MONDO:0008955, OMIM 214150.

Allele frequency attached by ClinVar (database versions not stated): gnomAD 0.00342 and 0.00364; 1000 Genomes Project 0.00399; TOPMed 0.00415; 1000 Genomes Project 30x 0.00453.
gnomAD v4.1: 514 of 152,310 alleles (0.34%); highest among the groups gnomAD compares: African/African-American, 1.2%; 3 homozygotes.

Submissions (3):

Illumina Laboratory Services, Illumina
Classification: Likely benign for Cockayne syndrome type 2. Last evaluated: 2018-01-12. Review status: criteria provided, single submitter. Criteria: ICSL Variant Classification Criteria 13 December 2019. Collection method: clinical testing. Allele origin: germline.
Comment: This variant was observed in the ICSL laboratory as part of a predisposition screen in an ostensibly healthy population. It had not been previously curated by ICSL or reported in the Human Gene Mutation Database (HGMD: prior to June 1st, 2018), and was therefore a candidate for classification through an automated scoring system. Utilizing variant allele frequency, disease prevalence and penetrance estimates, and inheritance mode, an automated score was calculated to assess if this variant is too frequent to cause the disease. Based on the score and internal cut-off values, a variant classified as likely benign is not then subjected to further curation. The score for this variant resulted in a classification of likely benign for this disease.

Illumina Laboratory Services, Illumina
Classification: Likely benign for Age related macular degeneration 5. Last evaluated: 2018-01-12. Review status: criteria provided, single submitter. Criteria: ICSL Variant Classification Criteria 13 December 2019. Collection method: clinical testing. Allele origin: germline.
Comment: the same text as in the submission from Illumina Laboratory Services, Illumina above.

Illumina Laboratory Services, Illumina
Classification: Likely benign for Cerebrooculofacioskeletal syndrome 1. Last evaluated: 2018-01-12. Review status: criteria provided, single submitter. Criteria: ICSL Variant Classification Criteria 13 December 2019. Collection method: clinical testing. Allele origin: germline.
Comment: the same text as in the submission from Illumina Laboratory Services, Illumina above.

NM_000124.4(ERCC6):c.*3921A>G

Gene: ERCC6 (ERCC excision repair 6, chromatin remodeling factor; minus strand). Cytogenetic location: 10q11.23.
Variant type: single nucleotide variant.
Coding change: c.*3921A>G on transcript NM_000124.4 (MANE Select); 3921 bases downstream of the stop codon, A replaced by G.
Molecular consequence: 3 prime UTR variant.
Genome position (GRCh38, 1-based): chr10:49,454,894, T>C on the plus strand (A>G on the coding strand, the complement: ERCC6 is on the minus strand). VCF-style: chr10-49454894-T-C. GRCh37 (hg19) VCF-style: chr10-50662940-T-C.
Other names: c.*3921A>G (NM_001346440.2).
Identifiers: ClinVar variation 877982 (VCV000877982.4), dbSNP rs533984667, ClinGen allele CA15640555.